The following is an entry in ClinVar:

ClinVar aggregate classification (germline): Uncertain significance (1 of 4 stars; one submission).

Conditions:
Charcot-Marie-Tooth Neuropathy X. Identifiers: MedGen CN118851.
Combined oxidative phosphorylation deficiency. Identifiers: MedGen C4540031, MONDO:0000732.

Submission:

Labcorp Genetics (formerly Invitae), Labcorp
Classification: Uncertain significance for Charcot-Marie-Tooth Neuropathy X; Combined oxidative phosphorylation deficiency. Last evaluated: 2021-12-02. Review status: criteria provided, single submitter. Criteria: Invitae Variant Classification Sherloc (09022015). Collection method: clinical testing. Allele origin: germline.
Comment: This sequence change replaces valine, which is neutral and non-polar, with leucine, which is neutral and non-polar, at codon 389 of the AIFM1 protein (p.Val389Leu). This variant is not present in population databases (gnomAD no frequency). This variant has not been reported in the literature in individuals affected with AIFM1-related conditions. Algorithms developed to predict the effect of missense changes on protein structure and function (SIFT, PolyPhen-2, Align-GVGD) all suggest that this variant is likely to be tolerated. Algorithms developed to predict the effect of sequence changes on RNA splicing suggest that this variant may disrupt the consensus splice site. In summary, the available evidence is currently insufficient to determine the role of this variant in disease. Therefore, it has been classified as a Variant of Uncertain Significance.

NM_004208.4(AIFM1):c.1165G>T (p.Val389Leu)

Genes: AIFM1 (apoptosis inducing factor mitochondria associated 1; minus strand), RAB33A (RAB33A, member RAS oncogene family; plus strand). Cytogenetic location: Xq26.1.
Variant type: single nucleotide variant.
Coding change: c.1165G>T on transcript NM_004208.4 (MANE Select); coding-DNA position 1165, G replaced by T.
Protein change: p.Val389Leu; replaces valine 389 with leucine.
Molecular consequence: missense variant. On other transcripts: 3 prime UTR variant (1), non-coding transcript variant (1).
Genome position (GRCh38, 1-based): chrX:130,136,185, C>A on the plus strand (G>T on the coding strand, the complement: AIFM1 is on the minus strand). VCF-style: chrX-130136185-C-A. GRCh37 (hg19) VCF-style: chrX-129270160-C-A.
Other names: c.148G>T, p.Val50Leu (NM_001130846.4); c.*393G>T (NM_001130847.4); c.1153G>T, p.Val385Leu (NM_145812.3); short protein forms V50L, V389L, V385L.
Identifiers: ClinVar variation 1491318 (VCV001491318.6), dbSNP rs2124651900, ClinGen allele CA414575811.